The following is an entry in ClinVar:

ClinVar aggregate classification (germline): Likely benign. Review status: criteria provided, single submitter (1 of 4 stars). 2 submissions from 2 submitters: Likely benign (1). 1 of the submissions does not count toward it. Last evaluated 2022-12-14.

Conditions:
ATP2B2-related disorder. Also called: ATP2B2-related condition.

Allele frequency attached by ClinVar (database versions not stated): ExAC 0.00002; gnomAD 0.00005; ESP Exome Variant Server 0.00015.
gnomAD v4.1: 109 of 1,614,078 alleles (0.0068%); highest among the groups gnomAD compares: Admixed American, 0.0083%; no homozygotes.

Submissions (2):

Labcorp Genetics (formerly Invitae), Labcorp
Classification: Likely benign. Last evaluated: 2022-12-14. Review status: criteria provided, single submitter. Criteria: Invitae Variant Classification Sherloc (09022015). Collection method: clinical testing. Allele origin: germline.

PreventionGenetics, part of Exact Sciences
Classification: Likely benign for ATP2B2-related condition. Last evaluated: 2024-08-05. Review status: no assertion criteria provided. Collection method: clinical testing. Allele origin: germline. Not counted in ClinVar's aggregate classification.
Comment: This variant is classified as likely benign based on ACMG/AMP sequence variant interpretation guidelines (Richards et al. 2015 PMID: 25741868, with internal and published modifications).

NM_001001331.4(ATP2B2):c.558C>T (p.Ile186=)

Gene: ATP2B2 (ATPase plasma membrane Ca2+ transporting 2; minus strand). Cytogenetic location: 3p25.3.
Variant type: single nucleotide variant.
Coding change: c.558C>T on transcript NM_001001331.4 (MANE Select); coding-DNA position 558, C replaced by T.
Protein change: p.Ile186=; no amino-acid change (isoleucine 186 retained).
Molecular consequence: synonymous variant.
Genome position (GRCh38, 1-based): chr3:10,402,188, G>A on the plus strand (C>T on the coding strand, the complement: ATP2B2 is on the minus strand). VCF-style: chr3-10402188-G-A. GRCh37 (hg19) VCF-style: chr3-10443872-G-A.
Other names: c.558C>T, p.Ile186= (NM_001330611.3, NM_001353564.1, NM_001363862.1 and 1 more transcripts); c.558C>T (NM_001683.3).
Identifiers: ClinVar variation 2911169 (VCV002911169.4), dbSNP rs139130148, ClinGen allele CA2253989.